The following is an entry in ClinVar:

NM_004006.3(DMD):c.8277_8278insT (p.Gln2760fs)

Gene: DMD (dystrophin; minus strand). Cytogenetic location: Xp21.1.
Variant type: Insertion.
Coding change: c.8277_8278insT on transcript NM_004006.3 (MANE Select); coding-DNA positions 8277 to 8278, T inserted.
Protein change: p.Gln2760fs; shifts the reading frame from glutamine 2760.
Molecular consequence: frameshift variant.
Genome position: GRCh38 VCF-style: chrX-31507393-G-GA. GRCh37 (hg19) VCF-style: chrX-31525510-G-GA.
Other names: c.8253_8254insT, p.Gln2752fs (NM_000109.4); c.8265_8266insT, p.Gln2756fs (NM_004009.3); c.7908_7909insT, p.Gln2637fs (NM_004010.3); c.4254_4255insT, p.Gln1419fs (NM_004011.4); c.4245_4246insT, p.Gln1416fs (NM_004012.4); c.897_898insT, p.Gln300fs (NM_004013.3, NM_004020.4, NM_004021.3 and 2 more transcripts); c.90_91insT, p.Gln31fs (NM_004014.3); short protein forms Q1416fs, Q1419fs, Q2637fs, Q2752fs, Q2756fs, Q2760fs, Q300fs, Q31fs.
Identifiers: ClinVar variation 3382941 (VCV003382941.2).
Genomic context (GRCh38, chrX:31,507,393, plus strand): 5'-CCAAACGTCTTTGTAACAGGACTGCATCATCGGAACCTTCCAGGGATCTCAGGATTTTTT[G>GA]GCTGTTTTCATCCAGGTTGTGATAAACATCTGTGTGAGCTTCAATTTCACCTTGGAGGTC-3'

ClinVar aggregate classification (germline): Likely pathogenic (1 of 4 stars; one submission).

Conditions:
Duchenne muscular dystrophy (DMD). Also called: Duchenne Muscular Dystrophy (DMD); MUSCULAR DYSTROPHY, PSEUDOHYPERTROPHIC PROGRESSIVE, DUCHENNE TYPE. Identifiers: Orphanet 98896, MedGen C0013264, MONDO:0010679, OMIM 310200.
Becker muscular dystrophy (BMD). Also called: MUSCULAR DYSTROPHY, PSEUDOHYPERTROPHIC PROGRESSIVE, BECKER TYPE; Becker Muscular Dystrophy (BMD). Identifiers: Orphanet 98895, MedGen C0917713, MONDO:0010311, OMIM 300376.
Dilated cardiomyopathy 3B (CMD3B). Also called: CMD3B: DMD-Related Dilated Cardiomyopathy; CARDIOMYOPATHY, DILATED, X-LINKED; DMD-Associated Dilated Cardiomyopathy. Identifiers: Orphanet 154, MedGen C3668940, MONDO:0010542, OMIM 302045.

Submission:

Juno Genomics, Hangzhou Juno Genomics, Inc
Classification: Likely pathogenic for Becker muscular dystrophy; Dilated cardiomyopathy 3B; Duchenne muscular dystrophy. Review status: criteria provided, single submitter. Criteria: ACMG Guidelines, 2015. Collection method: clinical testing. Allele origin: germline. Affected: yes.
Comment: Null variant in a gene where loss of function (LOF) is a known mechanism of disease.;Absent from controls (or at extremely low frequency if recessive) in Genome Aggregation Database, Exome Sequencing Project, 1000 Genomes Project, or Exome Aggregation Consortium.